The following is an entry in ClinVar:

NM_001025356.3(ANO6):c.159T>C (p.Phe53=)

Gene: ANO6 (anoctamin 6; plus strand). Cytogenetic location: 12q12.
Variant type: single nucleotide variant.
Coding change: c.159T>C on transcript NM_001025356.3 (MANE Select); coding-DNA position 159, T replaced by C.
Protein change: p.Phe53=; no amino-acid change (phenylalanine 53 retained).
Molecular consequence: synonymous variant.
Genome position (GRCh38, 1-based): chr12:45,331,303, T>C. VCF-style: chr12-45331303-T-C. GRCh37 (hg19) VCF-style: chr12-45725086-T-C.
Other names: p.Phe53=; c.105T>C, p.Phe35= (NM_001142678.2); c.159T>C, p.Phe53= (NM_001142679.2); c.222T>C, p.Phe74= (NM_001204803.2); c.126T>C, p.Phe42= (NM_001410973.1).
Identifiers: ClinVar variation 2893739 (VCV002893739.4), dbSNP rs533103339, ClinGen allele CA6524911.
Genomic context (GRCh38, chr12:45,331,303, plus strand): 5'-AGCATTTTTTCAAAAAATTATATATTACAATTTGTTTTTCTGTTTTACACAGGAAGAATT[T>C]AATGGAAAACCTGACTCCCTCTTTTTTAATGATGGCCAGCGAAGAATTGACTTTGTTCTA-3'
Protein context (NP_001020527.2, residues 43-63): HDFRTPEFEE[Phe53=]NGKPDSLFFN

ClinVar aggregate classification (germline): Benign. Review status: criteria provided, multiple submitters, no conflicts (2 of 4 stars). 2 submissions from 2 submitters: Benign (2). Last evaluated 2026-01-13.

Allele frequency attached by ClinVar (database versions not stated): 1000 Genomes Project 30x 0.00031; 1000 Genomes Project 0.00040; TOPMed 0.00001; ExAC 0.00054; gnomAD 0.00011; gnomAD exomes 0.00027.
gnomAD v4.1: 412 of 1,608,806 alleles (0.026%); highest among the groups gnomAD compares: South Asian, 0.43%; 6 homozygotes.

Submissions (2):

Labcorp Genetics (formerly Invitae), Labcorp
Classification: Benign. Last evaluated: 2026-01-13. Review status: criteria provided, single submitter. Criteria: Invitae Variant Classification Sherloc (09022015). Collection method: clinical testing. Allele origin: germline.

Mayo Clinic Laboratories, Mayo Clinic
Classification: Benign. Last evaluated: 2024-12-10. Review status: criteria provided, single submitter. Criteria: ACMG Guidelines, 2015. Collection method: clinical testing. Allele origin: germline. Observed: 1 variant allele.
Comment: BS1, BS2, BP4, BP7